The following is an entry in ClinVar:

ClinVar aggregate classification (germline): Likely benign (1 of 4 stars; one submission).

gnomAD v4.1: 20 of 1,613,780 alleles (0.0012%); highest among the groups gnomAD compares: East Asian, 0.022%; no homozygotes.

Submission:

CeGaT Center for Human Genetics Tuebingen
Classification: Likely benign. Last evaluated: 2025-11-01. Review status: criteria provided, single submitter. Criteria: CeGaT Center For Human Genetics Tuebingen Variant Classification Criteria Version 2. Collection method: clinical testing. Allele origin: germline. Affected: yes. Observed: 1 variant allele.
Comment: CFAP58: BP4, BP7

NM_001008723.2(CFAP58):c.99C>T (p.Asp33=)

Gene: CFAP58 (cilia and flagella associated protein 58; plus strand). Cytogenetic location: 10q25.1.
Variant type: single nucleotide variant.
Coding change: c.99C>T on transcript NM_001008723.2 (MANE Select); coding-DNA position 99, C replaced by T.
Protein change: p.Asp33=; no amino-acid change (aspartic acid 33 retained).
Molecular consequence: synonymous variant.
Genome position (GRCh38, 1-based): chr10:104,358,430, C>T. VCF-style: chr10-104358430-C-T. GRCh37 (hg19) VCF-style: chr10-106118188-C-T.
Other names: c.45C>T, p.Asp15= (NM_001400226.1, NM_001400227.1).
Identifiers: ClinVar variation 4533926 (VCV004533926.6).
Genomic context (GRCh38, chr10:104,358,430, plus strand): 5'-ATCTGCATTTGAAGAAATGGAAAGAGATTTTCAGGGAGTTCTCCATGAACTTTCTGGAGA[C>T]AAAAGTTTGGAAAAATTTCGGATTGAATATGAGAGGCTTCATGCTGTCATGAAAAAGTCT-3'
Protein context (NP_001008723.1, residues 23-43): FQGVLHELSG[Asp33=]KSLEKFRIEY